The following is an entry in ClinVar:

NM_025150.5(TARS2):c.451C>T (p.Leu151Phe)

Gene: TARS2 (threonyl-tRNA synthetase 2, mitochondrial; plus strand). Cytogenetic location: 1q21.2.
Variant type: single nucleotide variant.
Coding change: c.451C>T on transcript NM_025150.5 (MANE Select); coding-DNA position 451, C replaced by T.
Protein change: p.Leu151Phe; replaces leucine 151 with phenylalanine.
Molecular consequence: missense variant.
Genome position (GRCh38, 1-based): chr1:150,490,664, C>T. VCF-style: chr1-150490664-C-T. GRCh37 (hg19) VCF-style: chr1-150463140-C-T.
Other names: c.451C>T, p.Leu151Phe (NM_001271895.2, NM_001271896.2); short protein forms L151F.
Identifiers: ClinVar variation 2107300 (VCV002107300.4), dbSNP rs2526263245, ClinGen allele CA342320081.

ClinVar aggregate classification (germline): Uncertain significance (1 of 4 stars; one submission).

Submission:

Labcorp Genetics (formerly Invitae), Labcorp
Classification: Uncertain significance. Last evaluated: 2022-08-09. Review status: criteria provided, single submitter. Criteria: Invitae Variant Classification Sherloc (09022015). Collection method: clinical testing. Allele origin: germline.
Comment: This variant is not present in population databases (gnomAD no frequency). This sequence change replaces leucine, which is neutral and non-polar, with phenylalanine, which is neutral and non-polar, at codon 151 of the TARS2 protein (p.Leu151Phe). This variant has not been reported in the literature in individuals affected with TARS2-related conditions. In summary, the available evidence is currently insufficient to determine the role of this variant in disease. Therefore, it has been classified as a Variant of Uncertain Significance. Algorithms developed to predict the effect of missense changes on protein structure and function are either unavailable or do not agree on the potential impact of this missense change (SIFT: "Deleterious"; PolyPhen-2: "Probably Damaging"; Align-GVGD: "Class C0").